The following is an entry in ClinVar:

ClinVar aggregate classification (germline): Uncertain significance. Review status: criteria provided, multiple submitters, no conflicts (2 of 4 stars). 2 submissions from 2 submitters: Uncertain significance (2). Last evaluated 2022-10-04.

Conditions:
Joubert syndrome. Also called: CEREBELLOPARENCHYMAL DISORDER IV; JOUBERT-BOLTSHAUSER SYNDROME; Familial aplasia of the vermis. Identifiers: Orphanet 475, MedGen C5979921, MONDO:0018772.
Orofaciodigital syndrome I (OFD1). Also called: OFDS I; Papillon-Leage and Psaume Syndrome; Oral-Facial-Digital Syndrome Type I. Identifiers: Orphanet 2750, MedGen C1510460, MONDO:0010702, OMIM 311200.
Joubert syndrome 10 (JBTS10). Identifiers: Orphanet 2754, MedGen C2749019, MONDO:0010431, OMIM 300804.
Retinitis pigmentosa 23 (RP23). Identifiers: Orphanet 791, MedGen C1419610, MONDO:0010320, OMIM 300424.
Simpson-Golabi-Behmel syndrome type 2. Identifiers: Orphanet 79022, MedGen C1846175, MONDO:0010265, OMIM 300209.

Allele frequency attached by ClinVar (database versions not stated): gnomAD exomes below 0.00001 and 0.00001; gnomAD 0.00001; TOPMed 0.00001.
gnomAD v4.1: 5 of 1,207,633 alleles (0.00041%); highest among the groups gnomAD compares: Admixed American, 0.0066%; no homozygotes.

Submissions (2):

Labcorp Genetics (formerly Invitae), Labcorp
Classification: Uncertain significance for Orofaciodigital syndrome I; Joubert syndrome. Last evaluated: 2022-10-04. Review status: criteria provided, single submitter. Criteria: Invitae Variant Classification Sherloc (09022015). Collection method: clinical testing. Allele origin: germline.
Comment: In summary, the available evidence is currently insufficient to determine the role of this variant in disease. Therefore, it has been classified as a Variant of Uncertain Significance. Advanced modeling of protein sequence and biophysical properties (such as structural, functional, and spatial information, amino acid conservation, physicochemical variation, residue mobility, and thermodynamic stability) performed at Invitae indicates that this missense variant is not expected to disrupt OFD1 protein function. ClinVar contains an entry for this variant (Variation ID: 532266). This variant has not been reported in the literature in individuals affected with OFD1-related conditions. This variant is present in population databases (no rsID available, gnomAD 0.008%). This sequence change replaces glutamic acid, which is acidic and polar, with lysine, which is basic and polar, at codon 490 of the OFD1 protein (p.Glu490Lys).

Fulgent Genetics
Classification: Uncertain significance for Simpson-Golabi-Behmel syndrome type 2; Retinitis pigmentosa 23; Joubert syndrome 10; Orofaciodigital syndrome I. Last evaluated: 2021-12-14. Review status: criteria provided, single submitter. Criteria: ACMG Guidelines, 2015. Collection method: clinical testing. Allele origin: unknown.

NM_003611.3(OFD1):c.1468G>A (p.Glu490Lys)

Gene: OFD1 (OFD1 centriole and centriolar satellite protein; plus strand). Cytogenetic location: Xp22.2.
Variant type: single nucleotide variant.
Coding change: c.1468G>A on transcript NM_003611.3 (MANE Select); coding-DNA position 1468, G replaced by A.
Protein change: p.Glu490Lys; replaces glutamic acid 490 with lysine.
Molecular consequence: missense variant.
Genome position (GRCh38, 1-based): chrX:13,757,716, G>A. VCF-style: chrX-13757716-G-A. GRCh37 (hg19) VCF-style: chrX-13775835-G-A.
Other names: c.1348G>A, p.Glu450Lys (NM_001330209.2); c.1048G>A, p.Glu350Lys (NM_001330210.2); short protein forms E490K, E350K, E450K.
Identifiers: ClinVar variation 532266 (VCV000532266.10), dbSNP rs1454731121, ClinGen allele CA412343079.
Genomic context (GRCh38, chrX:13,757,716, plus strand): 5'-TTAGGCCTAGCTCAGCCGGCTCCTGAACTTGCAGTCTTTCAGAAAGAACTACGGAAAGCC[G>A]AAAAGGCTATAGTGGTTGAGCATGAGGAGTTCGAAAGCTGCAGGCAAGCTCTGCACAAAC-3'
Protein context (NP_003602.1, residues 480-500): AVFQKELRKA[Glu490Lys]KAIVVEHEEF